The following is an entry in ClinVar:

ClinVar aggregate classification (germline): Uncertain significance. Review status: criteria provided, multiple submitters, no conflicts (2 of 4 stars). 2 submissions from 2 submitters: Uncertain significance (2). Last evaluated 2024-12-12.

Conditions:
Hereditary cancer-predisposing syndrome. Also called: Neoplastic Syndromes, Hereditary; Hereditary Cancer Syndrome; Hereditary neoplastic syndrome; Tumor predisposition. Identifiers: Orphanet 140162, MedGen C0027672, MeSH D009386, MONDO:0015356.
Oligodontia-cancer predisposition syndrome. Also called: TOOTH AGENESIS-COLORECTAL CANCER SYNDROME. Identifiers: Orphanet 300576, MedGen C1837750, MONDO:0012075, OMIM 608615. Disease mechanism: loss of function.

Submissions (2):

Ambry Genetics
Classification: Uncertain significance for Hereditary cancer-predisposing syndrome. Last evaluated: 2024-12-12. Review status: criteria provided, single submitter. Criteria: Ambry Variant Classification Scheme 2023. Collection method: clinical testing. Allele origin: germline.
Comment: The p.V446G variant (also known as c.1337T>G), located in coding exon 5 of the AXIN2 gene, results from a T to G substitution at nucleotide position 1337. The valine at codon 446 is replaced by glycine, an amino acid with dissimilar properties. This amino acid position is conserved. In addition, this alteration is predicted to be deleterious by in silico analysis. Based on the available evidence, the clinical significance of this variant remains unclear.

Labcorp Genetics (formerly Invitae), Labcorp
Classification: Uncertain significance for Oligodontia-cancer predisposition syndrome. Last evaluated: 2023-08-04. Review status: criteria provided, single submitter. Criteria: Invitae Variant Classification Sherloc (09022015). Collection method: clinical testing. Allele origin: germline.
Comment: This variant is not present in population databases (gnomAD no frequency). This sequence change replaces valine, which is neutral and non-polar, with glycine, which is neutral and non-polar, at codon 446 of the AXIN2 protein (p.Val446Gly). This variant has not been reported in the literature in individuals affected with AXIN2-related conditions. In summary, the available evidence is currently insufficient to determine the role of this variant in disease. Therefore, it has been classified as a Variant of Uncertain Significance. Advanced modeling of protein sequence and biophysical properties (such as structural, functional, and spatial information, amino acid conservation, physicochemical variation, residue mobility, and thermodynamic stability) performed at Invitae indicates that this missense variant is expected to disrupt AXIN2 protein function.

NM_004655.4(AXIN2):c.1337T>G (p.Val446Gly)

Gene: AXIN2 (axin 2; minus strand). Cytogenetic location: 17q24.1.
Variant type: single nucleotide variant.
Coding change: c.1337T>G on transcript NM_004655.4 (MANE Select); coding-DNA position 1337, T replaced by G.
Protein change: p.Val446Gly; replaces valine 446 with glycine.
Molecular consequence: missense variant.
Genome position (GRCh38, 1-based): chr17:65,537,699, A>C on the plus strand (T>G on the coding strand, the complement: AXIN2 is on the minus strand). VCF-style: chr17-65537699-A-C. GRCh37 (hg19) VCF-style: chr17-63533817-A-C.
Other names: c.1337T>G, p.Val446Gly (NM_001363813.1); short protein forms V446G.
Identifiers: ClinVar variation 2847415 (VCV002847415.4), dbSNP rs1567756343, ClinGen allele CA400677700.